The following is an entry in ClinVar:

NM_014363.6(SACS):c.8104C>T (p.Leu2702Phe)

Gene: SACS (sacsin molecular chaperone; minus strand). Cytogenetic location: 13q12.12.
Variant type: single nucleotide variant.
Coding change: c.8104C>T on transcript NM_014363.6 (MANE Select); coding-DNA position 8104, C replaced by T.
Protein change: p.Leu2702Phe; replaces leucine 2702 with phenylalanine.
Molecular consequence: missense variant.
Genome position (GRCh38, 1-based): chr13:23,335,772, G>A on the plus strand (C>T on the coding strand, the complement: SACS is on the minus strand). VCF-style: chr13-23335772-G-A. GRCh37 (hg19) VCF-style: chr13-23909911-G-A.
Other names: c.7663C>T, p.Leu2555Phe (NM_001278055.2); short protein forms L2555F, L2702F.
Identifiers: ClinVar variation 812777 (VCV000812777.3), dbSNP rs1593126754, ClinGen allele CA387517368.
Genomic context (GRCh38, chr13:23,335,772, plus strand): 5'-TTCTGTCTGATGCTGGAACAGACGAAATTTCCGAAACTTTTGCCATTTCTGCATTACGAA[G>A]AGGAAATCTGAACATTGTGCAATTATCCAGTTTAAAATGGGTTCCCAGATAAAGATCCAG-3'
Protein context (NP_055178.3, residues 2692-2712): LDNCTMFRFP[Leu2702Phe]RNAEMAKVSE

ClinVar aggregate classification (germline): Uncertain significance. Review status: criteria provided, single submitter (1 of 4 stars). 2 submissions from 2 submitters: Uncertain significance (1). 1 of the submissions does not count toward it. Last evaluated 2025-09-04.

Conditions:
Spastic paraplegia. Identifiers: MedGen C0037772, HP:0001258.

Allele frequency attached by ClinVar (database versions not stated): gnomAD exomes below 0.00001; gnomAD 0.00001.
gnomAD v4.1: 7 of 1,613,924 alleles (0.00043%); highest among the groups gnomAD compares: African/African-American, 0.0027%; no homozygotes.

Submissions (2):

Women's Health and Genetics/Laboratory Corporation of America, LabCorp
Classification: Uncertain significance. Last evaluated: 2025-09-04. Review status: criteria provided, single submitter. Criteria: LabCorp Variant Classification Summary - May 2015. Collection method: clinical testing. Allele origin: germline.
Comment: Variant summary: SACS c.8104C>T (p.Leu2702Phe) results in a non-conservative amino acid change in the encoded protein sequence. Algorithms developed to predict the effect of missense changes on protein structure and function all suggest that this variant is likely to be disruptive. The variant was absent in 250988 control chromosomes (gnomAD). The available data on variant occurrences in the general population are insufficient to allow any conclusion about variant significance. c.8104C>T has been observed in an individual affected with hypertonia (Turro_2020, Sanchis-Juan_2023). These data do not allow any conclusion about variant significance. To our knowledge, no experimental evidence demonstrating an impact on protein function has been reported. The following publications have been ascertained in the context of this evaluation (PMID: 32581362, 37541188). ClinVar contains an entry for this variant (Variation ID: 812777). Based on the evidence outlined above, the variant was classified as uncertain significance.

NIHR Bioresource Rare Diseases, University of Cambridge
Classification: Likely pathogenic for Spastic paraplegia. Review status: no assertion criteria provided. Collection method: research. Allele origin: unknown. Affected: yes. Observed: 1 variant allele. Not counted in ClinVar's aggregate classification.

Literature cited by the submitters: PubMed 32581362 (cited by Women's Health and Genetics/Laboratory Corporation of America, LabCorp and NIHR Bioresource Rare Diseases, University of Cambridge); PubMed 37541188 (cited by Women's Health and Genetics/Laboratory Corporation of America, LabCorp).